The following is an entry in ClinVar:

NM_025137.4(SPG11):c.2196T>C (p.Asn732=)

Gene: SPG11 (SPG11 vesicle trafficking associated, spatacsin; minus strand). Cytogenetic location: 15q21.1.
Variant type: single nucleotide variant.
Coding change: c.2196T>C on transcript NM_025137.4 (MANE Select); coding-DNA position 2196, T replaced by C.
Protein change: p.Asn732=; no amino-acid change (asparagine 732 retained).
Molecular consequence: synonymous variant.
Genome position (GRCh38, 1-based): chr15:44,626,379, A>G on the plus strand (T>C on the coding strand, the complement: SPG11 is on the minus strand). VCF-style: chr15-44626379-A-G. GRCh37 (hg19) VCF-style: chr15-44918577-A-G.
Other names: p.Asn732=; c.2196T>C, p.Asn732= (NM_001160227.2).
Identifiers: ClinVar variation 1628707 (VCV001628707.23), dbSNP rs2141037849, ClinGen allele CA490205077.
Genomic context (GRCh38, chr15:44,626,379, plus strand): 5'-TACACCACTCACCATATTCTTCAAAAGTTCAGAGGCTTCCTTTATATTGTTCTTTTTTAA[A>G]TTGTCAAAGACCAAATTTAGGCCTATGCCAATAAGCTCCTCAAGTTTTTGAGCAGAATGA-3'
Protein context (NP_079413.3, residues 722-742): IGIGLNLVFD[Asn732=]LKKNNIKEAS

ClinVar aggregate classification (germline): Likely benign. Review status: criteria provided, multiple submitters, no conflicts (2 of 4 stars). 4 submissions from 4 submitters: Likely benign (4). Last evaluated 2025-01-01.

Conditions:
Hereditary spastic paraplegia 11. Also called: Spastic Paraplegia 11; Spastic paraplegia, mental retardation and thin corpus callosum; SPASTIC PARAPLEGIA, AUTOSOMAL RECESSIVE, COMPLICATED, WITH THIN CORPUS CALLOSUM; SPASTIC PARAPLEGIA, AUTOSOMAL RECESSIVE, WITH MENTAL IMPAIRMENT AND THIN CORPUS CALLOSUM; Nakamura Osame syndrome; Autosomal recessive hereditary spastic paraplegia, mental impairment, and thin corpus callosum. Identifiers: Orphanet 2822, MedGen C1858479, MONDO:0011445, OMIM 604360.

Allele frequency attached by ClinVar (database versions not stated): gnomAD exomes 0.00001.
gnomAD v4.1: 3 of 1,613,516 alleles (0.00019%); highest among the groups gnomAD compares: Non-Finnish European, 0.00025%; no homozygotes.

Submissions (4):

CeGaT Center for Human Genetics Tuebingen
Classification: Likely benign. Last evaluated: 2025-01-01. Review status: criteria provided, single submitter. Criteria: CeGaT Center For Human Genetics Tuebingen Variant Classification Criteria Version 2. Collection method: clinical testing. Allele origin: germline. Affected: yes. Observed: 1 variant allele.
Comment: SPG11: BP4, BP7

Mayo Clinic Laboratories, Mayo Clinic
Classification: Likely benign. Last evaluated: 2024-11-11. Review status: criteria provided, single submitter. Criteria: ACMG Guidelines, 2015. Collection method: clinical testing. Allele origin: germline. Observed: 1 variant allele.
Comment: BP4, BP7

Labcorp Genetics (formerly Invitae), Labcorp
Classification: Likely benign for Hereditary spastic paraplegia 11. Last evaluated: 2024-02-24. Review status: criteria provided, single submitter. Criteria: Invitae Variant Classification Sherloc (09022015). Collection method: clinical testing. Allele origin: germline.

Blueprint Genetics
Classification: Likely benign. Last evaluated: 2022-08-09. Review status: criteria provided, single submitter. Criteria: ACMG Guidelines, 2015. Collection method: clinical testing. Allele origin: germline.